The following is an entry in ClinVar:

ClinVar aggregate classification (germline): Conflicting classifications of pathogenicity. Review status: no assertion criteria provided (0 of 4 stars). 2 submissions from 2 submitters: Uncertain significance (1); Likely benign (1). Last evaluated 2020-08-21.

Conditions:
Methylcrotonyl-CoA carboxylase deficiency. Also called: 3 Methylcrotonylglycinuria; 3-MCC Deficiency; Deficiency of methylcrotonoyl-CoA carboxylase. Identifiers: Orphanet 6, MedGen C4551505, MONDO:0018950.
MCCC2-related disorder. Also called: MCCC2-related condition.

Allele frequency attached by ClinVar (database versions not stated): gnomAD 0.00001; TOPMed 0.00001.

Submissions (2):

Natera, Inc.
Classification: Uncertain significance for 3-methylcrotonylglycinuria. Last evaluated: 2020-08-21. Review status: no assertion criteria provided. Collection method: clinical testing. Allele origin: germline.

PreventionGenetics, part of Exact Sciences
Classification: Likely benign for MCCC2-related condition. Last evaluated: 2019-05-15. Review status: no assertion criteria provided. Collection method: clinical testing. Allele origin: germline.
Comment: This variant is classified as likely benign based on ACMG/AMP sequence variant interpretation guidelines (Richards et al. 2015 PMID: 25741868, with internal and published modifications).

NM_022132.5(MCCC2):c.*6A>G

Gene: MCCC2 (methylcrotonyl-CoA carboxylase subunit 2; plus strand). Cytogenetic location: 5q13.2.
Variant type: single nucleotide variant.
Coding change: c.*6A>G on transcript NM_022132.5 (MANE Select); 6 bases downstream of the stop codon, A replaced by G.
Molecular consequence: 3 prime UTR variant.
Genome position (GRCh38, 1-based): chr5:71,656,866, A>G. VCF-style: chr5-71656866-A-G. GRCh37 (hg19) VCF-style: chr5-70952693-A-G.
Other names: c.*6A>G (NM_001363147.1, NM_022132.4).
Identifiers: ClinVar variation 991043 (VCV000991043.4), dbSNP rs1249235767, ClinGen allele CA560308702.